The following is an entry in ClinVar:

NM_015375.3(DSTYK):c.857C>G (p.Ser286Trp)

Gene: DSTYK (dual serine/threonine and tyrosine protein kinase; minus strand). Cytogenetic location: 1q32.1.
Variant type: single nucleotide variant.
Coding change: c.857C>G on transcript NM_015375.3 (MANE Select); coding-DNA position 857, C replaced by G.
Protein change: p.Ser286Trp; replaces serine 286 with tryptophan.
Molecular consequence: missense variant.
Genome position (GRCh38, 1-based): chr1:205,169,630, G>C on the plus strand (C>G on the coding strand, the complement: DSTYK is on the minus strand). VCF-style: chr1-205169630-G-C. GRCh37 (hg19) VCF-style: chr1-205138758-G-C.
Other names: c.857C>G, p.Ser286Trp (NM_199462.3); c.857C>G (NM_015375.2); short protein forms S286W.
Identifiers: ClinVar variation 1960152 (VCV001960152.6), dbSNP rs370244638, ClinGen allele CA344401929.

ClinVar aggregate classification (germline): Uncertain significance. Review status: criteria provided, multiple submitters, no conflicts (2 of 4 stars). 2 submissions from 2 submitters: Uncertain significance (2). Last evaluated 2025-08-20.

gnomAD v4.1: 3 of 1,614,154 alleles (0.00019%); highest among the groups gnomAD compares: Non-Finnish European, 0.00025%; no homozygotes.

Submissions (2):

Ambry Genetics
Classification: Uncertain significance. Last evaluated: 2025-08-20. Review status: criteria provided, single submitter. Criteria: Ambry Variant Classification Scheme 2023. Collection method: clinical testing. Allele origin: germline.

Labcorp Genetics (formerly Invitae), Labcorp
Classification: Uncertain significance. Last evaluated: 2022-10-18. Review status: criteria provided, single submitter. Criteria: Invitae Variant Classification Sherloc (09022015). Collection method: clinical testing. Allele origin: germline.
Comment: In summary, the available evidence is currently insufficient to determine the role of this variant in disease. Therefore, it has been classified as a Variant of Uncertain Significance. Algorithms developed to predict the effect of missense changes on protein structure and function are either unavailable or do not agree on the potential impact of this missense change (SIFT: "Deleterious"; PolyPhen-2: "Possibly Damaging"; Align-GVGD: "Class C0"). This variant has not been reported in the literature in individuals affected with DSTYK-related conditions. This variant is present in population databases (no rsID available, gnomAD 0.0009%). This sequence change replaces serine, which is neutral and polar, with tryptophan, which is neutral and slightly polar, at codon 286 of the DSTYK protein (p.Ser286Trp).